The following is an entry in ClinVar:

ClinVar aggregate classification (germline): Likely benign. Review status: criteria provided, multiple submitters, no conflicts (2 of 4 stars). 2 submissions from 2 submitters: Likely benign (2). Last evaluated 2024-12-26.

Conditions:
BDP1-related disorder. Also called: BDP1-related condition.

Allele frequency attached by ClinVar (database versions not stated): gnomAD exomes 0.00006 and 0.00013; ExAC 0.00018; 1000 Genomes Project 0.00060; 1000 Genomes Project 30x 0.00062; gnomAD 0.00066 and 0.00073; TOPMed 0.00081; ESP Exome Variant Server 0.00111.
gnomAD v4.1: 187 of 1,612,166 alleles (0.012%); highest among the groups gnomAD compares: African/African-American, 0.23%; 2 homozygotes.

Submissions (2):

PreventionGenetics, part of Exact Sciences
Classification: Likely benign for BDP1-related condition. Last evaluated: 2024-12-26. Review status: criteria provided, single submitter. Criteria: ACMG Guidelines, 2015. Collection method: clinical testing. Allele origin: germline.
Comment: This variant is classified as likely benign based on ACMG/AMP sequence variant interpretation guidelines (Richards et al. 2015 PMID: 25741868, with internal and published modifications).

GeneDx
Classification: Likely benign. Last evaluated: 2021-03-30. Review status: criteria provided, single submitter. Criteria: GeneDx Variant Classification Process June 2021. Collection method: clinical testing. Allele origin: germline. Affected: yes.

NM_018429.3(BDP1):c.7014T>G (p.Thr2338=)

Gene: BDP1 (BDP1 general transcription factor IIIB subunit; plus strand). Cytogenetic location: 5q13.2.
Variant type: single nucleotide variant.
Coding change: c.7014T>G on transcript NM_018429.3 (MANE Select); coding-DNA position 7014, T replaced by G.
Protein change: p.Thr2338=; no amino-acid change (threonine 2338 retained).
Molecular consequence: synonymous variant.
Genome position (GRCh38, 1-based): chr5:71,553,134, T>G. VCF-style: chr5-71553134-T-G. GRCh37 (hg19) VCF-style: chr5-70848961-T-G.
Identifiers: ClinVar variation 1316142 (VCV001316142.3), dbSNP rs184748464, ClinGen allele CA3297406.
Genomic context (GRCh38, chr5:71,553,134, plus strand): 5'-CTTCTAATTCAGTAATTTAGTATGTATTTCTTTTCTATGCAGTATTTGTTTACCAGCAAC[T>G]TCAGTTGGTCAAGATGCCATGGGTTTATCTATTTCTGGAAGAGATAATTCTAAAAAGCCG-3'
Protein context (NP_060899.2, residues 2328-2348): RGDMSICLPA[Thr2338=]SVGQDAMGLS